The following is an entry in ClinVar:

NM_004006.3(DMD):c.5276_5277del (p.Glu1759fs)

Gene: DMD (dystrophin; minus strand). Cytogenetic location: Xp21.1.
Variant type: Microsatellite.
Coding change: c.5276_5277del on transcript NM_004006.3 (MANE Select); coding-DNA positions 5276 to 5277, 2 bases deleted (AG; older notation c.5276_5277delAG).
Protein change: p.Glu1759fs; shifts the reading frame from glutamic acid 1759.
Molecular consequence: frameshift variant.
Genome position (GRCh38, 1-based): chrX:32,362,836-32,362,837, CT deleted on the plus strand (AG on the coding strand, the reverse complement: DMD is on the minus strand); deleting any 2 consecutive bases within chrX:32,362,836-32,362,839 gives the same sequence; the c. name uses the placement nearest the transcript's 3' end. VCF-style (leftmost placement, unchanged base first): chrX-32362835-GCT-G. GRCh37 (hg19) VCF-style: chrX-32380952-GCT-G.
Other names: c.5276_5277delAG (NM_004006.2); c.5252_5253del, p.Glu1751fs (NM_000109.4); c.5264_5265del, p.Glu1755fs (NM_004009.3); c.4907_4908del, p.Glu1636fs (NM_004010.3); c.1253_1254del, p.Glu418fs (NM_004011.4); c.1244_1245del, p.Glu415fs (NM_004012.4); short protein forms E418fs, E1636fs, E1751fs, E1759fs, E415fs, E1755fs.
Identifiers: ClinVar variation 280447 (VCV000280447.2), dbSNP rs886041653, ClinGen allele CA10603659.

ClinVar aggregate classification (germline): Pathogenic (1 of 4 stars; one submission).

Submission:

GeneDx
Classification: Pathogenic. Last evaluated: 2016-03-31. Review status: criteria provided, single submitter. Criteria: GeneDx Variant Classification (06012015). Collection method: clinical testing. Allele origin: germline. Affected: yes.
Comment: The c.5276_5277delAG pathogenic variant in the DMD gene causes a frameshift starting with codon Glutamic acid 1759, changes this amino acid to a Alanine residue and creates a premature Stop codon at position 13 of the new reading frame, denoted p.Glu1759AlafsX13. This pathogenic variant is predicted to cause loss of normal protein function either through protein truncation or nonsense-mediated mRNA decay. Furthermore, the c.5276_5277delAG pathogenic variant was not observed in approximately 6,500 individuals of European and African American ancestry in the NHLBI Exome Sequencing Project, indicating it is not a common benign variant in these populations.